The following is an entry in ClinVar:

ClinVar aggregate classification (germline): Likely benign (1 of 4 stars; one submission).

gnomAD v4.1: 6 of 1,550,718 alleles (0.00039%); highest among the groups gnomAD compares: Non-Finnish European, 0.00044%; no homozygotes.

Submission:

CeGaT Center for Human Genetics Tuebingen
Classification: Likely benign. Last evaluated: 2024-08-01. Review status: criteria provided, single submitter. Criteria: CeGaT Center For Human Genetics Tuebingen Variant Classification Criteria Version 2. Collection method: clinical testing. Allele origin: germline. Affected: yes. Observed: 1 variant allele.
Comment: WDR81: BP4, BP7

NM_001163809.2(WDR81):c.2814T>C (p.Ala938=)

Gene: WDR81 (WD repeat domain 81; plus strand). Cytogenetic location: 17p13.3.
Variant type: single nucleotide variant.
Coding change: c.2814T>C on transcript NM_001163809.2 (MANE Select); coding-DNA position 2814, T replaced by C.
Protein change: p.Ala938=; no amino-acid change (alanine 938 retained).
Molecular consequence: synonymous variant. On other transcripts: intron variant (3).
Genome position (GRCh38, 1-based): chr17:1,727,773, T>C. VCF-style: chr17-1727773-T-C. GRCh37 (hg19) VCF-style: chr17-1631067-T-C.
Other names: c.-123-217T>C (NM_152348.4); c.59-2607T>C (NM_001163673.2); c.-14-2607T>C (NM_001163811.2).
Identifiers: ClinVar variation 3341782 (VCV003341782.16).